The following is an entry in ClinVar:

ClinVar aggregate classification (germline): Uncertain significance (1 of 4 stars; one submission).

Submission:

Labcorp Genetics (formerly Invitae), Labcorp
Classification: Uncertain significance. Last evaluated: 2023-07-21. Review status: criteria provided, single submitter. Criteria: Invitae Variant Classification Sherloc (09022015). Collection method: clinical testing. Allele origin: germline.
Comment: This variant, c.1177_1203del, results in the deletion of 9 amino acid(s) of the MSN protein (p.Arg393_Glu401del), but otherwise preserves the integrity of the reading frame. This variant is not present in population databases (gnomAD no frequency). This variant has not been reported in the literature in individuals affected with MSN-related conditions. Experimental studies and prediction algorithms are not available or were not evaluated, and the functional significance of this variant is currently unknown. In summary, the available evidence is currently insufficient to determine the role of this variant in disease. Therefore, it has been classified as a Variant of Uncertain Significance.

NM_002444.3(MSN):c.1177_1203del (p.Arg393_Glu401del)

Gene: MSN (moesin; plus strand). Cytogenetic location: Xq12.
Variant type: Deletion.
Coding change: c.1177_1203del on transcript NM_002444.3 (MANE Select); coding-DNA positions 1177 to 1203, 27 bases deleted (CGTCAAGAAGCTGAAGAGGCCAAGGAG).
Protein change: p.Arg393_Glu401del.
Molecular consequence: inframe deletion.
Genome position (GRCh38, 1-based): chrX:65,737,264-65,737,290, CGTCAAGAAGCTGAAGAGGCCAAGGAG deleted; deleting any 27 consecutive bases within chrX:65,737,254-65,737,290 gives the same sequence; the c. name uses the placement nearest the transcript's 3' end. VCF-style (leftmost placement, unchanged base first): chrX-65737253-TGGCCAAGGAGCGTCAAGAAGCTGAAGA-T. GRCh37 (hg19) VCF-style: chrX-64957115-TGGCCAAGGAGCGTCAAGAAGCTGAAGA-T.
Identifiers: ClinVar variation 2745652 (VCV002745652.3), dbSNP rs2523018206, ClinGen allele CA2693934553.